The following is an entry in ClinVar:

ClinVar aggregate classification (germline): Likely pathogenic (1 of 4 stars; one submission).

Conditions:
Trichohepatoenteric syndrome. Also called: Syndromic diarrhea; Tricho-hepato-enteric syndrome; THE SYNDROME. Identifiers: Orphanet 84064, MedGen C1857276, MONDO:0009105.

Submission:

Women's Health and Genetics/Laboratory Corporation of America, LabCorp
Classification: Likely pathogenic for Trichohepatoenteric syndrome. Last evaluated: 2022-11-03. Review status: criteria provided, single submitter. Criteria: LabCorp Variant Classification Summary - May 2015. Collection method: clinical testing. Allele origin: germline.
Comment: Variant summary: SKIV2L c.3160G>T (p.Glu1054X) results in a premature termination codon, predicted to cause a truncation of the encoded protein or absence of the protein due to nonsense mediated decay, which are commonly known mechanisms for disease. The variant was absent in 246304 control chromosomes (gnomAD). To our knowledge, no occurrence of c.3160G>T in individuals affected with Trichohepatoenteric Syndrome and no experimental evidence demonstrating its impact on protein function have been reported. No clinical diagnostic laboratories have submitted clinical-significance assessments for this variant to ClinVar after 2014. Based on the evidence outlined above, the variant was classified as likely pathogenic.

NM_006929.5(SKIC2):c.3160G>T (p.Glu1054Ter)

Gene: SKIC2 (SKI2 subunit of superkiller complex; plus strand). Cytogenetic location: 6p21.33.
Variant type: single nucleotide variant.
Coding change: c.3160G>T on transcript NM_006929.5 (MANE Select); coding-DNA position 3160, G replaced by T.
Protein change: p.Glu1054Ter; replaces glutamic acid 1054 with a stop codon.
Molecular consequence: nonsense.
Genome position (GRCh38, 1-based): chr6:31,968,776, G>T. VCF-style: chr6-31968776-G-T. GRCh37 (hg19) VCF-style: chr6-31936553-G-T.
Other names: short protein forms E1054*.
Identifiers: ClinVar variation 1804785 (VCV001804785.1), dbSNP rs2483002672, ClinGen allele CA363485773.
Genomic context (GRCh38, chr6:31,968,776, plus strand): 5'-CAGAAGGAGATGGAGCGGCTGCGCTTCCTACTGTCGGATCAGTCATTGCTGCTGCTTCCT[G>T]AGTACCATCAGCGAGTAGAGGTGGGTGGGGCAGTGGTTGGGGCAGGGGGGCTAGGGGACA-3'